The following is an entry in ClinVar:

ClinVar aggregate classification (germline): Likely benign (1 of 4 stars; one submission).

Allele frequency attached by ClinVar (database versions not stated): ExAC 0.00001; gnomAD exomes 0.00001.
gnomAD v4.1: 2 of 408,471 alleles (0.00049%); highest among the groups gnomAD compares: Non-Finnish European, 0.00089%; no homozygotes.

Submission:

CeGaT Center for Human Genetics Tuebingen
Classification: Likely benign. Last evaluated: 2022-10-01. Review status: criteria provided, single submitter. Criteria: CeGaT Center For Human Genetics Tuebingen Variant Classification Criteria Version 2. Collection method: clinical testing. Allele origin: germline. Affected: yes. Observed: 2 variant alleles.
Comment: LANCL3: BP4, BP7

NM_001170331.2(LANCL3):c.1103+918G>C

Gene: LANCL3 (LanC like family member 3; plus strand). Cytogenetic location: Xp21.1.
Variant type: single nucleotide variant.
Coding change: c.1103+918G>C on transcript NM_001170331.2 (MANE Select); 918 bases into the intron after coding-DNA position 1103, G replaced by C.
Molecular consequence: intron variant. On other transcripts: synonymous variant (1).
Genome position (GRCh38, 1-based): chrX:37,668,407, G>C. VCF-style: chrX-37668407-G-C. GRCh37 (hg19) VCF-style: chrX-37527660-G-C.
Other names: c.1143G>C, p.Leu381= (NM_198511.3).
Identifiers: ClinVar variation 2660285 (VCV002660285.24), dbSNP rs782816061, ClinGen allele CA10383474.